The following is an entry in ClinVar:

NM_000059.4(BRCA2):c.3847G>A (p.Val1283Ile)

Gene: BRCA2 (BRCA2 DNA repair associated; plus strand). Cytogenetic location: 13q13.1.
Variant type: single nucleotide variant.
Coding change: c.3847G>A on transcript NM_000059.4 (MANE Select); coding-DNA position 3847, G replaced by A.
Protein change: p.Val1283Ile; replaces valine 1283 with isoleucine.
Molecular consequence: missense variant.
Genome position (GRCh38, 1-based): chr13:32,338,202, G>A. VCF-style: chr13-32338202-G-A. GRCh37 (hg19) VCF-style: chr13-32912339-G-A.
Other names: short protein forms V1283I.
Identifiers: ClinVar variation 491262 (VCV000491262.22), dbSNP rs754974533, ClinGen allele CA6940728.

ClinVar aggregate classification (germline): Conflicting classifications of pathogenicity. Review status: criteria provided, conflicting classifications (1 of 4 stars). 7 submissions from 7 submitters: Uncertain significance (5); Likely benign (2). Last evaluated 2025-03-07.

Conditions:
BRCA2-related cancer predisposition. Identifiers: MedGen CN377758, MONDO:0700269.
Hereditary breast ovarian cancer syndrome. Also called: Hereditary breast and ovarian cancer; Hereditary breast and ovarian cancer syndrome (HBOC); BRCA1- and BRCA2-Associated Hereditary Breast and Ovarian Cancer; Breast and ovarian cancer; Hereditary breast and ovarian cancer syndrome; Hereditary breast and/or ovarian cancer syndrome. Identifiers: Orphanet 145, MedGen C0677776, MeSH D061325, MONDO:0003582. Disease mechanism: loss of function.
Hereditary cancer-predisposing syndrome. Also called: Tumor predisposition; Neoplastic Syndromes, Hereditary; Hereditary Cancer Syndrome; Hereditary neoplastic syndrome. Identifiers: Orphanet 140162, MedGen C0027672, MeSH D009386, MONDO:0015356.
Breast-ovarian cancer, familial, susceptibility to, 2 (BROVCA2). Also called: BRCA2 Hereditary Breast and Ovarian Cancer. Identifiers: Orphanet 145, MedGen C2675520, MONDO:0012933, OMIM 612555. Disease mechanism: loss of function.

Allele frequency attached by ClinVar (database versions not stated): gnomAD exomes below 0.00001; ExAC 0.00001.
gnomAD v4.1: 1 of 1,548,258 alleles (0.000065%); highest among the groups gnomAD compares: East Asian, 0.0023%; no homozygotes.

Submissions (7):

Labcorp Genetics (formerly Invitae), Labcorp
Classification: Uncertain significance for Hereditary breast ovarian cancer syndrome. Last evaluated: 2025-03-07. Review status: criteria provided, single submitter. Criteria: Invitae Variant Classification Sherloc (09022015). Collection method: clinical testing. Allele origin: germline.
Comment: This sequence change replaces valine, which is neutral and non-polar, with isoleucine, which is neutral and non-polar, at codon 1283 of the BRCA2 protein (p.Val1283Ile). The frequency data for this variant in the population databases is considered unreliable, as metrics indicate poor data quality at this position in the gnomAD database. This variant has not been reported in the literature in individuals affected with BRCA2-related conditions. ClinVar contains an entry for this variant (Variation ID: 491262). Invitae Evidence Modeling of protein sequence and biophysical properties (such as structural, functional, and spatial information, amino acid conservation, physicochemical variation, residue mobility, and thermodynamic stability) indicates that this missense variant is not expected to disrupt BRCA2 protein function with a negative predictive value of 95%. In summary, the available evidence is currently insufficient to determine the role of this variant in disease. Therefore, it has been classified as a Variant of Uncertain Significance.

Ambry Genetics
Classification: Uncertain significance for Hereditary cancer-predisposing syndrome. Last evaluated: 2025-02-13. Review status: criteria provided, single submitter. Criteria: Ambry Variant Classification Scheme 2023. Collection method: clinical testing. Allele origin: germline.
Comment: The p.V1283I variant (also known as c.3847G>A), located in coding exon 10 of the BRCA2 gene, results from a G to A substitution at nucleotide position 3847. The valine at codon 1283 is replaced by isoleucine, an amino acid with highly similar properties. This amino acid position is poorly conserved in available vertebrate species. In addition, this alteration is predicted to be tolerated by in silico analysis. Since supporting evidence is limited at this time, the clinical significance of this alteration remains unclear.

Quest Diagnostics Nichols Institute San Juan Capistrano
Classification: Uncertain significance. Last evaluated: 2024-10-17. Review status: criteria provided, single submitter. Criteria: Quest Diagnostics criteria. Collection method: clinical testing. Allele origin: unknown.
Comment: The BRCA2 c.3847G>A (p.Val1283Ile) variant has been reported in the published literature to be located in a region of the BRCA2 gene that is tolerant to missense sequence changes (PMID: 31911673 (2020)). To the best of our knowledge, this variant has not been reported in individuals with BRCA2-related disorders. The frequency of this variant in the general population, 0.0000049 (1/202780 chromosomes (Genome Aggregation Database)), is uninformative in the assessment of its pathogenicity. Analysis of this variant using bioinformatics tools for the prediction of the effect of amino acid changes on protein structure and function yielded predictions that this variant is benign. Based on the available information, we are unable to determine the clinical significance of this variant.

Myriad Genetics, Inc.
Classification: Likely benign for Breast-ovarian cancer, familial, susceptibility to, 2. Last evaluated: 2024-07-23. Review status: criteria provided, single submitter. Criteria: Myriad Autosomal Dominant, Autosomal Recessive and X-Linked Classification Criteria (2023). Collection method: clinical testing. Allele origin: unknown.
Comment: This variant is considered likely benign. This variant is strongly associated with less severe personal and family histories of cancer, typical for individuals without pathogenic variants in this gene [PMID: 25085752].

All of Us Research Program, National Institutes of Health
Classification: Uncertain significance for BRCA2-related cancer predisposition. Last evaluated: 2024-03-04. Review status: criteria provided, single submitter. Criteria: ACMG Guidelines, 2015. Collection method: clinical testing. Allele origin: germline. Inheritance: Autosomal dominant inheritance. Observed: 1 variant allele, 1 heterozygote.
Comment: This study involves interpretation of variants in research participants for the purpose of population health screening. Participant phenotype was not available at the time of variant classification. Additional details can be found in publication PMID: 35346344, PMCID: PMC8962531

University of Washington Department of Laboratory Medicine, University of Washington
Classification: Likely benign for Hereditary cancer-predisposing syndrome. Last evaluated: 2023-03-23. Review status: criteria provided, single submitter. Criteria: Dines et al. (Genet Med. 2020). Collection method: curation. Allele origin: germline.
Comment: Missense variant in a coldspot region where missense variants are very unlikely to be pathogenic (PMID:31911673).

BRCA2 exon 11 coldspot. Reclassification based on statistical prior probability.

Color Diagnostics, LLC DBA Color Health
Classification: Uncertain significance for Hereditary cancer-predisposing syndrome. Last evaluated: 2019-04-17. Review status: criteria provided, single submitter. Criteria: ACMG Guidelines, 2015. Collection method: clinical testing. Allele origin: germline.

Literature cited by the submitters: PubMed 31911673 (cited by Quest Diagnostics Nichols Institute San Juan Capistrano); PubMed 25085752 (cited by Myriad Genetics, Inc.).